The following is an entry in ClinVar:

NM_025099.6(CTC1):c.793-100A>G

Gene: CTC1 (CST telomere replication complex component 1; minus strand). Cytogenetic location: 17p13.1.
Variant type: single nucleotide variant.
Coding change: c.793-100A>G on transcript NM_025099.6 (MANE Select); 100 bases into the intron before coding-DNA position 793, A replaced by G.
Molecular consequence: intron variant.
Genome position (GRCh38, 1-based): chr17:8,236,442, T>C on the plus strand (A>G on the coding strand, the complement: CTC1 is on the minus strand). VCF-style: chr17-8236442-T-C. GRCh37 (hg19) VCF-style: chr17-8139760-T-C.
Identifiers: ClinVar variation 1224132 (VCV001224132.6), dbSNP rs58532865, ClinGen allele CA14394906.

ClinVar aggregate classification (germline): Benign. Review status: criteria provided, multiple submitters, no conflicts (2 of 4 stars). 3 submissions from 3 submitters: Benign (3). Last evaluated 2024-01-24.

Allele frequency attached by ClinVar (database versions not stated): gnomAD 0.27809 and 0.28081; 1000 Genomes Project 0.28574; 1000 Genomes Project 30x 0.28654; TOPMed 0.29250.
gnomAD v4.1: 368,844 of 1,246,816 alleles (30%); highest among the groups gnomAD compares: Admixed American, 47%; 56,528 homozygotes.

Submissions (3):

Unidad de Genómica Garrahan, Hospital de Pediatría Garrahan
Classification: Benign. Last evaluated: 2024-01-24. Review status: criteria provided, single submitter. Criteria: ACMG Guidelines, 2015. Collection method: clinical testing. Allele origin: germline. Affected: no. Observed: 35 variant alleles.
Comment: This variant is classified as Benign based on local population frequency. This variant was detected in 37% of patients studied by a panel of primary immunodeficiencies. Number of patients: 35. Only high quality variants are reported.

GeneDx
Classification: Benign. Last evaluated: 2018-11-12. Review status: criteria provided, single submitter. Criteria: GeneDx Variant Classification Process June 2021. Collection method: clinical testing. Allele origin: germline. Affected: yes.

Breakthrough Genomics
Classification: Benign. Review status: criteria provided, single submitter. Criteria: ACMG Guidelines, 2015. Collection method: not provided. Allele origin: germline. Inheritance: Autosomal recessive inheritance. Affected: yes.